The following is an entry in ClinVar:

NM_007294.4(BRCA1):c.594-225G>A

Gene: BRCA1 (BRCA1 DNA repair associated; minus strand). Cytogenetic location: 17q21.31.
Variant type: single nucleotide variant.
Coding change: c.594-225G>A on transcript NM_007294.4 (MANE Select); 225 bases into the intron before coding-DNA position 594, G replaced by A.
Molecular consequence: intron variant.
Genome position (GRCh38, 1-based): chr17:43,096,147, C>T on the plus strand (G>A on the coding strand, the complement: BRCA1 is on the minus strand). VCF-style: chr17-43096147-C-T. GRCh37 (hg19) VCF-style: chr17-41248164-C-T.
Other names: IVS 9-225G>A; c.453-225G>A (NM_001408458.1, NM_001408469.1, NM_001408453.1 and 43 more transcripts); c.-218-1287G>A (NM_001407967.1, NM_001407966.1); c.213-225G>A (NM_001407959.1, NM_001408510.1, NM_001407963.1 and 1 more transcripts); c.404-1287G>A (NM_001407931.1, NM_001407932.1, NM_001408503.1 and 5 more transcripts); c.450-225G>A (NM_001407747.1, NM_001408470.1, NM_001407848.1 and 26 more transcripts); c.210-225G>A (NM_001407962.1); c.167-1287G>A (NM_001408512.1, NM_001407965.1); and 18 more.
Identifiers: ClinVar variation 209449 (VCV000209449.4), dbSNP rs8176147, ClinGen allele CA276420.

ClinVar aggregate classification (germline): Benign. Review status: reviewed by expert panel (3 of 4 stars). 2 submissions from 2 submitters: Benign (1). 1 of the submissions does not count toward it. Last evaluated 2015-01-12.

Conditions:
Breast-ovarian cancer, familial, susceptibility to, 1 (BROVCA1). Also called: BRCA1 Hereditary Breast and Ovarian Cancer; OVARIAN CANCER, SUSCEPTIBILITY TO. Identifiers: Orphanet 145, MedGen C2676676, MONDO:0011450, OMIM 604370. Disease mechanism: loss of function.

Allele frequency attached by ClinVar (database versions not stated): TOPMed 0.28255; gnomAD 0.29033 and 0.29897; 1000 Genomes Project 30x 0.32901; 1000 Genomes Project 0.33506.
gnomAD v4.1: 45,382 of 151,654 alleles (30%); highest among the groups gnomAD compares: South Asian, 49%; 7,336 homozygotes.

Submissions (2):

Evidence-based Network for the Interpretation of Germline Mutant Alleles (ENIGMA)
Classification: Benign for Breast-ovarian cancer, familial 1. Last evaluated: 2015-01-12. Review status: reviewed by expert panel. Criteria: ENIGMA BRCA1/2 Classification Criteria (2015). Collection method: curation. Allele origin: germline.
Comment: Class 1 not pathogenic based on frequency >1% in an outbred sampleset. Frequency 0.3304 (Asian), 0.128 (African), 0.3536 (European), derived from 1000 genomes (2012-04-30).

GeneDx
Classification: Benign. Last evaluated: 2018-06-23. Review status: criteria provided, single submitter. Criteria: GeneDx Variant Classification Process June 2021. Collection method: clinical testing. Allele origin: germline. Affected: yes. Not counted in ClinVar's aggregate classification.